The following is an entry in ClinVar:

ClinVar aggregate classification (germline): Conflicting classifications of pathogenicity. Review status: criteria provided, conflicting classifications (1 of 4 stars). 6 submissions from 6 submitters: Uncertain significance (5); Likely benign (1). Last evaluated 2026-01-29.

Conditions:
Aortic aneurysm, familial thoracic 7 (AAT7). Also called: AORTIC DISSECTION, FAMILIAL, WITH OR WITHOUT AORTIC ANEURYSM. Identifiers: MedGen C3151077, MONDO:0013418, OMIM 613780.
Megacystis-microcolon-intestinal hypoperistalsis syndrome 1. Identifiers: MedGen C5542316, MONDO:0100354, OMIM 249210.
Familial thoracic aortic aneurysm and aortic dissection (TAAD). Also called: Thoracic aortic aneurysms and dissections. Identifiers: Orphanet 91387, MedGen C4707243, MONDO:0019625.

Allele frequency attached by ClinVar (database versions not stated): gnomAD exomes 0.00002 and 0.00004; ExAC 0.00003; TOPMed 0.00003; ESP Exome Variant Server 0.00015.
gnomAD v4.1: 30 of 1,613,366 alleles (0.0019%); highest among the groups gnomAD compares: Admixed American, 0.0033%; no homozygotes.

Submissions (6):

Labcorp Genetics (formerly Invitae), Labcorp
Classification: Uncertain significance for Aortic aneurysm, familial thoracic 7. Last evaluated: 2026-01-29. Review status: criteria provided, single submitter. Criteria: Invitae Variant Classification Sherloc (09022015). Collection method: clinical testing. Allele origin: germline.
Comment: This sequence change replaces proline, which is neutral and non-polar, with leucine, which is neutral and non-polar, at codon 979 of the MYLK protein (p.Pro979Leu). This variant is present in population databases (rs368229473, gnomAD 0.007%). This variant has not been reported in the literature in individuals affected with MYLK-related conditions. ClinVar contains an entry for this variant (Variation ID: 342884). Invitae Evidence Modeling of protein sequence and biophysical properties (such as structural, functional, and spatial information, amino acid conservation, physicochemical variation, residue mobility, and thermodynamic stability) indicates that this missense variant is not expected to disrupt MYLK protein function with a negative predictive value of 80%. In summary, the available evidence is currently insufficient to determine the role of this variant in disease. Therefore, it has been classified as a Variant of Uncertain Significance.

Women's Health and Genetics/Laboratory Corporation of America, LabCorp
Classification: Likely benign. Last evaluated: 2024-01-15. Review status: criteria provided, single submitter. Criteria: LabCorp Variant Classification Summary - May 2015. Collection method: clinical testing. Allele origin: germline.

GeneDx
Classification: Uncertain significance. Last evaluated: 2021-12-07. Review status: criteria provided, single submitter. Criteria: GeneDx Variant Classification Process June 2021. Collection method: clinical testing. Allele origin: germline. Affected: yes.
Comment: Has not been previously published as pathogenic or benign to our knowledge; In silico analysis supports that this missense variant has a deleterious effect on protein structure/function; Reported in ClinVar but additional evidence is not available (ClinVar Variant ID# 342884; Landrum et al., 2016)

Fulgent Genetics
Classification: Uncertain significance for Megacystis-microcolon-intestinal hypoperistalsis syndrome 1; Aortic aneurysm, familial thoracic 7. Last evaluated: 2021-09-06. Review status: criteria provided, single submitter. Criteria: ACMG Guidelines, 2015. Collection method: clinical testing. Allele origin: unknown.

Illumina Laboratory Services, Illumina
Classification: Uncertain significance for Aortic aneurysm, familial thoracic 7. Last evaluated: 2018-01-13. Review status: criteria provided, single submitter. Criteria: ICSL Variant Classification Criteria 13 December 2019. Collection method: clinical testing. Allele origin: germline.

Ambry Genetics
Classification: Uncertain significance for Familial thoracic aortic aneurysm and aortic dissection. Last evaluated: 2017-10-13. Review status: criteria provided, single submitter. Criteria: Ambry Variant Classification Scheme 2023. Collection method: clinical testing. Allele origin: germline.
Comment: The p.P979L variant (also known as c.2936C>T), located in coding exon 15 of the MYLK gene, results from a C to T substitution at nucleotide position 2936. The proline at codon 979 is replaced by leucine, an amino acid with similar properties. This amino acid position is well conserved in available vertebrate species. In addition, the in silico prediction for this alteration is inconclusive. Since supporting evidence is limited at this time, the clinical significance of this alteration remains unclear.

NM_053025.4(MYLK):c.2936C>T (p.Pro979Leu)

Gene: MYLK (myosin light chain kinase; minus strand). Cytogenetic location: 3q21.1.
Variant type: single nucleotide variant.
Coding change: c.2936C>T on transcript NM_053025.4 (MANE Select); coding-DNA position 2936, C replaced by T.
Protein change: p.Pro979Leu; replaces proline 979 with leucine.
Molecular consequence: missense variant.
Genome position (GRCh38, 1-based): chr3:123,700,532, G>A on the plus strand (C>T on the coding strand, the complement: MYLK is on the minus strand). VCF-style: chr3-123700532-G-A. GRCh37 (hg19) VCF-style: chr3-123419379-G-A.
Other names: c.2408C>T, p.Pro803Leu (NM_001321309.2); c.2729C>T, p.Pro910Leu (NM_053026.4, NM_053028.4); c.2936C>T, p.Pro979Leu (NM_053027.4); short protein forms P979L, P803L, P910L.
Identifiers: ClinVar variation 342884 (VCV000342884.21), dbSNP rs368229473, ClinGen allele CA069157.